The following is an entry in ClinVar:

NM_004563.4(PCK2):c.1745T>C (p.Leu582Ser)

Genes: PCK2 (phosphoenolpyruvate carboxykinase 2, mitochondrial; plus strand), NRL (neural retina leucine zipper; minus strand). Cytogenetic location: 14q12.
Variant type: single nucleotide variant.
Coding change: c.1745T>C on transcript NM_004563.4 (MANE Select); coding-DNA position 1745, T replaced by C.
Protein change: p.Leu582Ser; replaces leucine 582 with serine.
Molecular consequence: missense variant. On other transcripts: intron variant (3).
Genome position (GRCh38, 1-based): chr14:24,103,786, T>C. VCF-style: chr14-24103786-T-C. GRCh37 (hg19) VCF-style: chr14-24572995-T-C.
Other names: c.1745T>C (NM_004563.2); c.1343T>C, p.Leu448Ser (NM_001291556.2, NM_001308054.2); c.-28+10936A>G (NM_001354768.3, NM_001354770.2); c.-254+10936A>G (NM_006177.5); short protein forms L448S, L582S.
Identifiers: ClinVar variation 2964912 (VCV002964912.4), dbSNP rs1424536900, ClinGen allele CA389210022.

ClinVar aggregate classification (germline): Uncertain significance. Review status: criteria provided, multiple submitters, no conflicts (2 of 4 stars). 2 submissions from 2 submitters: Uncertain significance (2). Last evaluated 2025-11-05.

Allele frequency attached by ClinVar (database versions not stated): gnomAD exomes 0.00001; TOPMed 0.00001; gnomAD 0.00002.
gnomAD v4.1: 22 of 1,614,002 alleles (0.0014%); highest among the groups gnomAD compares: Non-Finnish European, 0.0019%; no homozygotes.

Submissions (2):

Ambry Genetics
Classification: Uncertain significance. Last evaluated: 2025-11-05. Review status: criteria provided, single submitter. Criteria: Ambry Variant Classification Scheme 2023. Collection method: clinical testing. Allele origin: germline.

Labcorp Genetics (formerly Invitae), Labcorp
Classification: Uncertain significance. Last evaluated: 2022-12-16. Review status: criteria provided, single submitter. Criteria: Invitae Variant Classification Sherloc (09022015). Collection method: clinical testing. Allele origin: germline.
Comment: In summary, the available evidence is currently insufficient to determine the role of this variant in disease. Therefore, it has been classified as a Variant of Uncertain Significance. Advanced modeling of protein sequence and biophysical properties (such as structural, functional, and spatial information, amino acid conservation, physicochemical variation, residue mobility, and thermodynamic stability) has been performed at Invitae for this missense variant, however the output from this modeling did not meet the statistical confidence thresholds required to predict the impact of this variant on PCK2 protein function. This variant has not been reported in the literature in individuals affected with PCK2-related conditions. This variant is present in population databases (no rsID available, gnomAD 0.002%). This sequence change replaces leucine, which is neutral and non-polar, with serine, which is neutral and polar, at codon 582 of the PCK2 protein (p.Leu582Ser).